The following is an entry in ClinVar:

NM_133433.4(NIPBL):c.3873A>G (p.Glu1291=)

Gene: NIPBL (NIPBL cohesin loading factor; plus strand). Cytogenetic location: 5p13.2.
Variant type: single nucleotide variant.
Coding change: c.3873A>G on transcript NM_133433.4 (MANE Select); coding-DNA position 3873, A replaced by G.
Protein change: p.Glu1291=; no amino-acid change (glutamic acid 1291 retained).
Molecular consequence: synonymous variant.
Genome position (GRCh38, 1-based): chr5:37,006,374, A>G. VCF-style: chr5-37006374-A-G. GRCh37 (hg19) VCF-style: chr5-37006476-A-G.
Other names: c.3873A>G, p.Glu1291= (NM_015384.5).
Identifiers: ClinVar variation 3000475 (VCV003000475.9), dbSNP rs777857860, ClinGen allele CA3236466.
Genomic context (GRCh38, chr5:37,006,374, plus strand): 5'-TAAATGTGTTTATTTCCATTTCATTAACAATACTGTTTTACAGAATAACGATACTGAAGA[A>G]GAAGAAAGGTTATGGAGAGACCTTATTATGGAGAGAGTTACAAAATCAGCGGATGCTTGT-3'
Protein context (NP_597677.2, residues 1281-1301): TLLNHNNDTE[Glu1291=]EERLWRDLIM

ClinVar aggregate classification (germline): Likely benign. Review status: criteria provided, multiple submitters, no conflicts (2 of 4 stars). 2 submissions from 2 submitters: Likely benign (2). Last evaluated 2025-10-06.

Conditions:
Cornelia de Lange syndrome 1 (CDLS1). Also called: NIPBL-Related Cornelia de Lange Syndrome; TYPUS DEGENERATIVUS AMSTELODAMENSIS; Brachmann de Lange syndrome. Identifiers: Orphanet 199, MedGen C4551851, MONDO:0007387, OMIM 122470.

Allele frequency attached by ClinVar (database versions not stated): gnomAD exomes below 0.00001; ExAC 0.00001.
gnomAD v4.1: 1 of 1,588,980 alleles (0.000063%); no homozygotes.

Submissions (2):

Labcorp Genetics (formerly Invitae), Labcorp
Classification: Likely benign for Cornelia de Lange syndrome 1. Last evaluated: 2025-10-06. Review status: criteria provided, single submitter. Criteria: Invitae Variant Classification Sherloc (09022015). Collection method: clinical testing. Allele origin: germline.

CeGaT Center for Human Genetics Tuebingen
Classification: Likely benign. Last evaluated: 2025-10-01. Review status: criteria provided, single submitter. Criteria: CeGaT Center For Human Genetics Tuebingen Variant Classification Criteria Version 2. Collection method: clinical testing. Allele origin: germline. Affected: yes. Observed: 1 variant allele.
Comment: NIPBL: BP4, BP7